The following is an entry in ClinVar:

NM_006493.4(CLN5):c.565+3_565+4dup

Gene: CLN5 (CLN5 lysosomal BMP synthase; plus strand). Cytogenetic location: 13q22.3.
Variant type: Duplication.
Coding change: c.565+3_565+4dup on transcript NM_006493.4 (MANE Select); bases 3 to 4 of the intron after coding-DNA position 565, 2 bases duplicated (AA; older notation c.565+3_565+4dupAA).
Molecular consequence: intron variant.
Genome position (GRCh38, 1-based): chr13:76,996,130-76,996,131, AA duplicated. VCF-style (leftmost placement, unchanged base first): chr13-76996129-T-TAA. GRCh37 (hg19) VCF-style: chr13-77570264-T-TAA.
Other names: c.712+3_712+4dup (LRG_692t1); c.565+3_565+4dup (NM_001366624.2); c.712+3_712+4dupAA (NM_006493.2); c.565+3_565+4dupAA (NM_006493.4).
Identifiers: ClinVar variation 457967 (VCV000457967.10), dbSNP rs745312608, ClinGen allele CA7007216.
Genomic context (GRCh38, chr13:76,996,129, plus strand): 5'-AATTGATGATGTTCACTGGAAGGAAAATGGGACATTAGTTCAAGTAGCAACTATATCAGG[T>TAA]AAGTTGTGAAAATATAGCAATATTTGATCATTGCATCAAAAACCAAATGAAAGAAATTGT-3'

ClinVar aggregate classification (germline): Conflicting classifications of pathogenicity. Review status: criteria provided, conflicting classifications (1 of 4 stars). 4 submissions from 4 submitters: Uncertain significance (2); Benign (1). 1 of the submissions does not count toward it. Last evaluated 2022-10-13.

Conditions:
Inborn genetic diseases. Identifiers: MedGen C0950123, MeSH D030342.
Neuronal ceroid lipofuscinosis. Also called: Neuronal Ceroid Lipofuscinoses. Identifiers: Orphanet 216, Orphanet 79263, MedGen C0027877, MONDO:0016295. Disease mechanism: loss of function.

Allele frequency attached by ClinVar (database versions not stated): gnomAD exomes 0.00002 and 0.00005; ExAC 0.00004; gnomAD 0.00016 and 0.00017; TOPMed 0.00027; ESP Exome Variant Server 0.00032.

Submissions (4):

Labcorp Genetics (formerly Invitae), Labcorp
Classification: Uncertain significance for Neuronal ceroid lipofuscinosis. Last evaluated: 2022-10-13. Review status: criteria provided, single submitter. Criteria: Invitae Variant Classification Sherloc (09022015). Collection method: clinical testing. Allele origin: germline.
Comment: This sequence change falls in intron 3 of the CLN5 gene. It does not directly change the encoded amino acid sequence of the CLN5 protein. It affects a nucleotide within the consensus splice site. This variant is present in population databases (rs745312608, gnomAD 0.06%). This variant has not been reported in the literature in individuals affected with CLN5-related conditions. ClinVar contains an entry for this variant (Variation ID: 457967). Variants that disrupt the consensus splice site are a relatively common cause of aberrant splicing (PMID: 17576681, 9536098). Algorithms developed to predict the effect of sequence changes on RNA splicing suggest that this variant may create or strengthen a splice site. In summary, the available evidence is currently insufficient to determine the role of this variant in disease. Therefore, it has been classified as a Variant of Uncertain Significance.

Ambry Genetics
Classification: Uncertain significance for Inborn genetic diseases. Last evaluated: 2021-10-01. Review status: criteria provided, single submitter. Criteria: Ambry Variant Classification Scheme 2023. Collection method: clinical testing. Allele origin: germline.
Comment: The c.712+3_712+4dupAA alteration is located in Intron 3 (E) of the CLN5 gene. This alteration consists of a duplication of 2 nucleotides at nucleotide position c.7123 within Intron 3 (E). Based on insufficient or conflicting evidence, the clinical significance of this alteration remains unclear.

GeneDx
Classification: Benign. Last evaluated: 2015-05-19. Review status: criteria provided, single submitter. Criteria: GeneDx Variant Classification Process June 2021. Collection method: clinical testing. Allele origin: germline. Affected: yes.

Natera, Inc.
Classification: Uncertain significance for Neuronal ceroid lipofuscinosis. Last evaluated: 2020-04-16. Review status: no assertion criteria provided. Collection method: clinical testing. Allele origin: germline. Not counted in ClinVar's aggregate classification.

Literature cited by the submitters: PubMed 17576681 (cited by Labcorp Genetics (formerly Invitae), Labcorp); PubMed 9536098 (cited by Labcorp Genetics (formerly Invitae), Labcorp).